The following is an entry in ClinVar:

ClinVar aggregate classification (germline): Likely benign. Review status: criteria provided, multiple submitters, no conflicts (2 of 4 stars). 2 submissions from 2 submitters: Likely benign (2). Last evaluated 2021-12-19.

Allele frequency attached by ClinVar (database versions not stated): gnomAD exomes 0.00001; TOPMed 0.00001; ExAC 0.00002.
gnomAD v4.1: 12 of 1,610,000 alleles (0.00075%); highest among the groups gnomAD compares: Non-Finnish European, 0.001%; no homozygotes.

Submissions (2):

Labcorp Genetics (formerly Invitae), Labcorp
Classification: Likely benign. Last evaluated: 2021-12-19. Review status: criteria provided, single submitter. Criteria: Invitae Variant Classification Sherloc (09022015). Collection method: clinical testing. Allele origin: germline.

GeneDx
Classification: Likely benign. Last evaluated: 2017-08-23. Review status: criteria provided, single submitter. Criteria: GeneDx Variant Classification (06012015). Collection method: clinical testing. Allele origin: germline. Affected: yes.
Comment: This variant is considered likely benign or benign based on one or more of the following criteria: it is a conservative change, it occurs at a poorly conserved position in the protein, it is predicted to be benign by multiple in silico algorithms, and/or has population frequency not consistent with disease.

NM_002491.3(NDUFB3):c.12A>G (p.Glu4=)

Gene: NDUFB3 (NADH:ubiquinone oxidoreductase subunit B3; plus strand). Cytogenetic location: 2q33.1.
Variant type: single nucleotide variant.
Coding change: c.12A>G on transcript NM_002491.3 (MANE Select); coding-DNA position 12, A replaced by G.
Protein change: p.Glu4=; no amino-acid change (glutamic acid 4 retained).
Molecular consequence: synonymous variant.
Genome position (GRCh38, 1-based): chr2:201,078,894, A>G. VCF-style: chr2-201078894-A-G. GRCh37 (hg19) VCF-style: chr2-201943617-A-G.
Other names: c.12A>G, p.Glu4= (NM_001257102.2).
Identifiers: ClinVar variation 511372 (VCV000511372.5), dbSNP rs750401775, ClinGen allele CA2052275.